The following is an entry in ClinVar:

NM_182977.3(NNT):c.2778C>A (p.Ser926Arg)

Gene: NNT (nicotinamide nucleotide transhydrogenase; plus strand). Cytogenetic location: 5p12.
Variant type: single nucleotide variant.
Coding change: c.2778C>A on transcript NM_182977.3 (MANE Select); coding-DNA position 2778, C replaced by A.
Protein change: p.Ser926Arg; replaces serine 926 with arginine.
Molecular consequence: missense variant.
Genome position (GRCh38, 1-based): chr5:43,675,654, C>A. VCF-style: chr5-43675654-C-A. GRCh37 (hg19) VCF-style: chr5-43675756-C-A.
Other names: c.2385C>A, p.Ser795Arg (NM_001331026.2); c.2778C>A, p.Ser926Arg (NM_012343.4); short protein forms S926R, S795R.
Identifiers: ClinVar variation 1030253 (VCV001030253.3), dbSNP rs1451092520, ClinGen allele CA359670754.

ClinVar aggregate classification (germline): Uncertain significance. Review status: criteria provided, multiple submitters, no conflicts (2 of 4 stars). 2 submissions from 2 submitters: Uncertain significance (2). Last evaluated 2021-07-16.

Conditions:
Inborn genetic diseases. Identifiers: MedGen C0950123, MeSH D030342.
Glucocorticoid deficiency 4. Also called: Glucocorticoid deficiency 4 with or without mineralocorticoid deficiency. Identifiers: Orphanet 361, MedGen C3553587, MONDO:0013874, OMIM 614736.

Allele frequency attached by ClinVar (database versions not stated): TOPMed below 0.00001; gnomAD 0.00001.
gnomAD v4.1: 7 of 1,603,376 alleles (0.00044%); highest among the groups gnomAD compares: Middle Eastern, 0.017%; no homozygotes.

Submissions (2):

Ambry Genetics
Classification: Uncertain significance for Inborn genetic diseases. Last evaluated: 2021-07-16. Review status: criteria provided, single submitter. Criteria: Ambry Variant Classification Scheme 2023. Collection method: clinical testing. Allele origin: germline.

Baylor Genetics
Classification: Uncertain significance for Glucocorticoid deficiency 4. Last evaluated: 2019-11-20. Review status: criteria provided, single submitter. Criteria: ACMG Guidelines, 2015. Collection method: clinical testing. Allele origin: unknown. Affected: yes.
Comment: This variant was determined to be of uncertain significance according to ACMG Guidelines, 2015 [PMID:25741868].